The following is an entry in ClinVar:

NM_001112726.3(CEP170B):c.2653del (p.His885fs)

Gene: CEP170B (centrosomal protein 170B; plus strand). Cytogenetic location: 14q32.33.
Variant type: Deletion.
Coding change: c.2653del on transcript NM_001112726.3 (MANE Select); coding-DNA position 2653, one base deleted (C; older notation c.2653delC).
Protein change: p.His885fs; shifts the reading frame from histidine 885.
Molecular consequence: frameshift variant.
Genome position (GRCh38, 1-based): chr14:104,886,892, C deleted; the last of 7 consecutive C bases (chr14:104,886,886-104,886,892); deleting any one gives the same sequence. VCF-style (leftmost placement, unchanged base first): chr14-104886885-GC-G. GRCh37 (hg19) VCF-style: chr14-105353222-GC-G.
Other names: c.2443del, p.His815fs (NM_015005.3); short protein forms H815fs, H885fs.
Identifiers: ClinVar variation 2635155 (VCV002635155.1), dbSNP rs1566868080, ClinGen allele CA2626857667.

ClinVar aggregate classification (germline): Uncertain significance (1 of 4 stars; one submission).

Conditions:
CEP170B-related disorder. Also called: CEP170B-related condition.

Submission:

PreventionGenetics, part of Exact Sciences
Classification: Uncertain significance for CEP170B-related condition. Last evaluated: 2023-01-11. Review status: criteria provided, single submitter. Criteria: ACMG Guidelines, 2015. Collection method: clinical testing. Allele origin: germline.
Comment: The CEP170B c.2653delC variant is predicted to result in a frameshift and premature protein termination (p.His885Thrfs*28). To our knowledge, this variant has not been reported in the literature or in a large population database, indicating this variant is rare. At this time, the clinical significance of this variant is uncertain due to the absence of conclusive functional and genetic evidence.